The following is an entry in ClinVar:

ClinVar aggregate classification (germline): Likely benign (1 of 4 stars; one submission).

Conditions:
Hypomyelination and Congenital Cataract (HLD5). Also called: hypomyelinating leukodystrophy 5. Identifiers: Orphanet 85163, MedGen C1864663, MONDO:0012514, OMIM 610532.

Allele frequency attached by ClinVar (database versions not stated): 1000 Genomes Project 30x 0.00250; 1000 Genomes Project 0.00260; TOPMed 0.00307; gnomAD 0.00319.

Submission:

Illumina Laboratory Services, Illumina
Classification: Likely benign for Hypomyelination and Congenital Cataract. Last evaluated: 2018-01-12. Review status: criteria provided, single submitter. Criteria: ICSL Variant Classification Criteria 13 December 2019. Collection method: clinical testing. Allele origin: germline.
Comment: This variant was observed in the ICSL laboratory as part of a predisposition screen in an ostensibly healthy population. It had not been previously curated by ICSL or reported in the Human Gene Mutation Database (HGMD: prior to June 1st, 2018), and was therefore a candidate for classification through an automated scoring system. Utilizing variant allele frequency, disease prevalence and penetrance estimates, and inheritance mode, an automated score was calculated to assess if this variant is too frequent to cause the disease. Based on the score and internal cut-off values, a variant classified as likely benign is not then subjected to further curation. The score for this variant resulted in a classification of likely benign for this disease.

NM_032581.4(HYCC1):c.*3753C>T

Gene: HYCC1 (hyccin PI4KA lipid kinase complex subunit 1; minus strand). Cytogenetic location: 7p15.3.
Variant type: single nucleotide variant.
Coding change: c.*3753C>T on transcript NM_032581.4 (MANE Select); 3753 bases downstream of the stop codon, C replaced by T.
Molecular consequence: 3 prime UTR variant.
Genome position (GRCh38, 1-based): chr7:22,941,836, G>A on the plus strand (C>T on the coding strand, the complement: HYCC1 is on the minus strand). VCF-style: chr7-22941836-G-A. GRCh37 (hg19) VCF-style: chr7-22981455-G-A.
Other names: c.*4355C>T (NM_001363466.2); c.*4313C>T (NM_001363467.2).
Identifiers: ClinVar variation 359720 (VCV000359720.5), dbSNP rs186672766, ClinGen allele CA10623653.